The following is an entry in ClinVar:

ClinVar aggregate classification (germline): Conflicting classifications of pathogenicity. Review status: criteria provided, conflicting classifications (1 of 4 stars). 3 submissions from 3 submitters: Uncertain significance (1); Benign (1); Likely benign (1). Last evaluated 2025-11-18.

Submissions (4):

Labcorp Genetics (formerly Invitae), Labcorp
Classification: Benign. Last evaluated: 2025-11-18. Review status: criteria provided, single submitter. Criteria: Invitae Variant Classification Sherloc (09022015). Collection method: clinical testing. Allele origin: germline.

GeneDx
Classification: Likely benign. Last evaluated: 2021-06-14. Review status: criteria provided, single submitter. Criteria: GeneDx Variant Classification Process June 2021. Collection method: clinical testing. Allele origin: germline. Affected: yes.
Comment: This variant is associated with the following publications: (PMID: 27535533)

Eurofins Ntd Llc (ga)
Classification: Uncertain significance. Last evaluated: 2017-12-06. Review status: criteria provided, single submitter. Criteria: EGL Classification Definitions 2015. Collection method: clinical testing. Allele origin: germline. Observed: 2 variant alleles, 2 heterozygotes.

Dr. Peter K. Rogan Lab, Western University
No classification provided (evidence only). Condition: Uterine corpus endometrial carcinoma. Review status: no classification provided. Collection method: in vitro. Allele origin: not applicable. Functional consequence: retained intron. Not counted in ClinVar's aggregate classification.

NM_004817.4(TJP2):c.3408-6del

Gene: TJP2 (tight junction protein 2; plus strand). Cytogenetic location: 9q21.11.
Variant type: Deletion.
Coding change: c.3408-6del on transcript NM_004817.4 (MANE Select); 6 bases into the intron before coding-DNA position 3408, one base deleted (T; older notation c.3408-6delT).
Molecular consequence: intron variant.
Genome position (GRCh38, 1-based): chr9:69,254,203, T deleted; the last of 7 consecutive T bases (chr9:69,254,197-69,254,203); deleting any one gives the same sequence. VCF-style (leftmost placement, unchanged base first): chr9-69254196-CT-C. GRCh37 (hg19) VCF-style: chr9-71869112-CT-C.
Other names: NC_000009.11:g.71869119del; c.2898-6del (NM_001170414.2); c.3333-6del (NM_001369870.1); c.3339-6del (NM_001369871.1); c.2967-6del (NM_201629.3); c.3297-6del (NM_001369872.1); c.3084-6del (NM_001369873.1); c.3309-6del (NM_001170415.1); and 4 more.
Identifiers: ClinVar variation 195756 (VCV000195756.16), dbSNP rs778863371, ClinGen allele CA242336.
Genomic context (GRCh38, chr9:69,254,196, plus strand): 5'-GAGCCATGCCTCCCCGGGCAGCCGGAGGACATGGATGTGCTCTGGAATGTCTTTAACACC[CT>C]TTTTTTGTTAGTTCCAGACCCCCTGAGCCACAGAAAGCTCCTTCCAGACCTTATCAGGAT-3'